The following is an entry in ClinVar:

NM_000214.3(JAG1):c.1362C>A (p.Cys454Ter)

Gene: JAG1 (jagged canonical Notch ligand 1; minus strand). Cytogenetic location: 20p12.2.
Variant type: single nucleotide variant.
Coding change: c.1362C>A on transcript NM_000214.3 (MANE Select); coding-DNA position 1362, C replaced by A.
Protein change: p.Cys454Ter; replaces cysteine 454 with a stop codon.
Molecular consequence: nonsense.
Genome position (GRCh38, 1-based): chr20:10,649,094, G>T on the plus strand (C>A on the coding strand, the complement: JAG1 is on the minus strand). VCF-style: chr20-10649094-G-T. GRCh37 (hg19) VCF-style: chr20-10629742-G-T.
Other names: short protein forms C454*.
Identifiers: ClinVar variation 2972910 (VCV002972910.3), dbSNP rs2514517862, ClinGen allele CA408238033.

ClinVar aggregate classification (germline): Pathogenic (1 of 4 stars; one submission).

Conditions:
Alagille syndrome due to a JAG1 point mutation. Also called: Alagille Syndrome 1; JAG1-Related Alagille Syndrome; HEPATIC DUCTULAR HYPOPLASIA, SYNDROMATIC. Identifiers: Orphanet 261619, Orphanet 52, MedGen C1956125, MONDO:0016862, OMIM 118450.

Submission:

Labcorp Genetics (formerly Invitae), Labcorp
Classification: Pathogenic for Alagille syndrome due to a JAG1 point mutation. Last evaluated: 2022-11-28. Review status: criteria provided, single submitter. Criteria: Invitae Variant Classification Sherloc (09022015). Collection method: clinical testing. Allele origin: germline.
Comment: This sequence change creates a premature translational stop signal (p.Cys454*) in the JAG1 gene. It is expected to result in an absent or disrupted protein product. Loss-of-function variants in JAG1 are known to be pathogenic (PMID: 11180599). This variant is not present in population databases (gnomAD no frequency). This premature translational stop signal has been observed in individual(s) with Alagille syndrome (PMID: 31343788). For these reasons, this variant has been classified as Pathogenic.

Literature cited by the submitters: PubMed 11180599; PubMed 31343788.